The following is an entry in ClinVar:

ClinVar aggregate classification (germline): Benign/Likely benign. Review status: criteria provided, multiple submitters, no conflicts (2 of 4 stars). 6 submissions from 6 submitters: Benign (4); Likely benign (2). Last evaluated 2026-09-01.

Conditions:
Cardiac arrhythmia. Also called: Cardiac rhythm disease; Arrhythmia. Identifiers: MedGen C0003811, MONDO:0007263, HP:0011675.

Allele frequency attached by ClinVar (database versions not stated): gnomAD exomes 0.00022 and 0.00046; ExAC 0.00079; ESP Exome Variant Server 0.00159; 1000 Genomes Project 0.00200; 1000 Genomes Project 30x 0.00203; gnomAD 0.00271 and 0.00302; TOPMed 0.00289.
gnomAD v4.1: 729 of 1,543,936 alleles (0.047%); highest among the groups gnomAD compares: African/African-American, 0.93%; 2 homozygotes.

Submissions (6):

CeGaT Center for Human Genetics Tuebingen
Classification: Likely benign. Last evaluated: 2026-09-01. Review status: criteria provided, single submitter. Criteria: CeGaT Center For Human Genetics Tuebingen Variant Classification Criteria Version 2. Collection method: clinical testing. Allele origin: germline. Affected: yes. Observed: 3 variant alleles.
Comment: KCNH2: BP4, BS1

Molecular Diagnostic Laboratory for Inherited Cardiovascular Disease, Montreal Heart Institute
Classification: Benign. Last evaluated: 2025-04-09. Review status: criteria provided, single submitter. Criteria: ACMG Guidelines, 2015. Collection method: clinical testing. Allele origin: germline. Affected: no.

Blueprint Genetics
Classification: Likely benign. Last evaluated: 2024-11-26. Review status: criteria provided, single submitter. Criteria: ACMG Guidelines, 2015. Collection method: clinical testing. Allele origin: germline.

Color Diagnostics, LLC DBA Color Health
Classification: Benign for Arrhythmia. Last evaluated: 2018-09-29. Review status: criteria provided, single submitter. Criteria: ACMG Guidelines, 2015. Collection method: clinical testing. Allele origin: germline.

Athena Diagnostics
Classification: Benign. Last evaluated: 2018-02-07. Review status: criteria provided, single submitter. Criteria: Athena Diagnostics Criteria. Collection method: clinical testing. Allele origin: germline.

GeneDx
Classification: Benign. Last evaluated: 2014-05-01. Review status: criteria provided, single submitter. Criteria: GeneDx Variant Classification (06012015). Collection method: clinical testing. Allele origin: germline. Affected: yes.
Comment: This variant is considered likely benign or benign based on one or more of the following criteria: it is a conservative change, it occurs at a poorly conserved position in the protein, it is predicted to be benign by multiple in silico algorithms, and/or has population frequency not consistent with disease.

Literature cited by the submitters: PubMed 28566242 (cited by Athena Diagnostics).

NM_000238.4(KCNH2):c.1128+1784C>T

Gene: KCNH2 (potassium voltage-gated channel subfamily H member 2; minus strand). Cytogenetic location: 7q36.1.
Variant type: single nucleotide variant.
Coding change: c.1128+1784C>T on transcript NM_000238.4 (MANE Select); 1784 bases into the intron after coding-DNA position 1128, C replaced by T.
Molecular consequence: intron variant. On other transcripts: 5 prime UTR variant (2), non-coding transcript variant (1).
Genome position (GRCh38, 1-based): chr7:150,955,507, G>A on the plus strand (C>T on the coding strand, the complement: KCNH2 is on the minus strand). VCF-style: chr7-150955507-G-A. GRCh37 (hg19) VCF-style: chr7-150652595-G-A.
Other names: c.-4C>T (NM_001204798.2, NM_172057.3, NM_001204798.1); c.840+1784C>T (NM_001406753.1, NM_001406756.1); c.1128+1784C>T (NM_172056.3); c.951+1784C>T (NM_001406755.1); c.828+1784C>T (NM_001406757.1).
Identifiers: ClinVar variation 200218 (VCV000200218.15), dbSNP rs371509270, ClinGen allele CA004220.